The following is an entry in ClinVar:

NM_001329630.2(PLEKHA7):c.166C>T (p.Leu56=)

Gene: PLEKHA7 (pleckstrin homology domain containing A7; minus strand). Cytogenetic location: 11p15.1.
Variant type: single nucleotide variant.
Coding change: c.166C>T on transcript NM_001329630.2 (MANE Select); coding-DNA position 166, C replaced by T.
Protein change: p.Leu56=; no amino-acid change (leucine 56 retained).
Molecular consequence: synonymous variant.
Genome position (GRCh38, 1-based): chr11:17,014,044, G>A on the plus strand (C>T on the coding strand, the complement: PLEKHA7 is on the minus strand). VCF-style: chr11-17014044-G-A. GRCh37 (hg19) VCF-style: chr11-17035591-G-A.
Other names: c.166C>T, p.Leu56= (NM_001329631.2, NM_001410960.1, NM_175058.5).
Identifiers: ClinVar variation 3049468 (VCV003049468.2), dbSNP rs2493997013, ClinGen allele CA473522479.

ClinVar aggregate classification (germline): Likely benign (0 of 4 stars; one submission).

Conditions:
PLEKHA7-related disorder. Also called: PLEKHA7-related condition.

Allele frequency attached by ClinVar (database versions not stated): gnomAD exomes below 0.00001.
gnomAD v4.1: 2 of 1,563,100 alleles (0.00013%); highest among the groups gnomAD compares: Admixed American, 0.0019%; no homozygotes.

Submission:

PreventionGenetics, part of Exact Sciences
Classification: Likely benign for PLEKHA7-related condition. Last evaluated: 2019-07-22. Review status: no assertion criteria provided. Collection method: clinical testing. Allele origin: germline.
Comment: This variant is classified as likely benign based on ACMG/AMP sequence variant interpretation guidelines (Richards et al. 2015 PMID: 25741868, with internal and published modifications).